The following is an entry in ClinVar:

NM_000482.4(APOA4):c.1003G>C (p.Asp335His)

Gene: APOA4 (apolipoprotein A4; minus strand). Cytogenetic location: 11q23.3.
Variant type: single nucleotide variant.
Coding change: c.1003G>C on transcript NM_000482.4 (MANE Select); coding-DNA position 1003, G replaced by C.
Protein change: p.Asp335His; replaces aspartic acid 335 with histidine.
Molecular consequence: missense variant.
Genome position (GRCh38, 1-based): chr11:116,821,055, C>G on the plus strand (G>C on the coding strand, the complement: APOA4 is on the minus strand). VCF-style: chr11-116821055-C-G. GRCh37 (hg19) VCF-style: chr11-116691771-C-G.
Other names: short protein forms D335H.
Identifiers: ClinVar variation 4802771 (VCV004802771.1).
Genomic context (GRCh38, chr11:116,821,055, plus strand): 5'-AGAAGGAGTTGACCTTGTCCCTCAGGTCCTTCTCCAGGAAGCTCAAGTGGCCTTCCACGT[C>G]CCCCGCATGGGGGCCCAGTTTCTGCCTGAGCTGTTCCATCTGCTGCACCAGGGCTTTGTT-3'
Protein context (NP_000473.2, residues 325-345): LRQKLGPHAG[Asp335His]VEGHLSFLEK

ClinVar aggregate classification (germline): Uncertain significance (1 of 4 stars; one submission).

gnomAD v4.1: 24 of 1,614,212 alleles (0.0015%); highest among the groups gnomAD compares: Non-Finnish European, 0.0019%; no homozygotes.

Submission:

Labcorp Genetics (formerly Invitae), Labcorp
Classification: Uncertain significance. Last evaluated: 2025-10-22. Review status: criteria provided, single submitter. Criteria: Invitae Variant Classification Sherloc (09022015). Collection method: clinical testing. Allele origin: germline.
Comment: This sequence change replaces aspartic acid, which is acidic and polar, with histidine, which is basic and polar, at codon 335 of the APOA4 protein (p.Asp335His). This variant is present in population databases (rs148203811, gnomAD 0.003%). This missense change has been observed in individual(s) with dyslipidemia (PMID: 36325899). Invitae Evidence Modeling of protein sequence and biophysical properties (such as structural, functional, and spatial information, amino acid conservation, physicochemical variation, residue mobility, and thermodynamic stability) indicates that this missense variant is not expected to disrupt APOA4 protein function with a negative predictive value of 80%. In summary, the available evidence is currently insufficient to determine the role of this variant in disease. Therefore, it has been classified as a Variant of Uncertain Significance.

Literature cited by the submitters: PubMed 36325899.